The following is an entry in ClinVar:

ClinVar aggregate classification (germline): Pathogenic (1 of 4 stars; one submission).

Conditions:
CHARGE syndrome (CHARGE). Also called: Hittner Hirsch Kreh syndrome; CHARGE ASSOCIATION--COLOBOMA, HEART ANOMALY, CHOANAL ATRESIA, RETARDATION, GENITAL AND EAR ANOMALIES; Coloboma, heart anomaly, choanal atresia, retardation, genital and ear anomalies; CHARGE association; Hall-Hittner syndrome. Identifiers: Orphanet 138, MedGen C0265354, MONDO:0008965.

Submission:

Labcorp Genetics (formerly Invitae), Labcorp
Classification: Pathogenic for CHARGE syndrome. Last evaluated: 2025-06-05. Review status: criteria provided, single submitter. Criteria: Invitae Variant Classification Sherloc (09022015). Collection method: clinical testing. Allele origin: germline.
Comment: This sequence change creates a premature translational stop signal (p.Arg752*) in the CHD7 gene. It is expected to result in an absent or disrupted protein product. Loss-of-function variants in CHD7 are known to be pathogenic (PMID: 22461308, 25077900). This variant is not present in population databases (gnomAD no frequency). This premature translational stop signal has been observed in individual(s) with CHARGE syndrome (PMID: 24979395). For these reasons, this variant has been classified as Pathogenic.

Literature cited by the submitters: PubMed 22461308; PubMed 25077900; PubMed 24979395.

NM_017780.4(CHD7):c.2254A>T (p.Arg752Ter)

Gene: CHD7 (chromodomain helicase DNA binding protein 7; plus strand). Cytogenetic location: 8q12.2.
Variant type: single nucleotide variant.
Coding change: c.2254A>T on transcript NM_017780.4 (MANE Select); coding-DNA position 2254, A replaced by T.
Protein change: p.Arg752Ter; replaces arginine 752 with a stop codon.
Molecular consequence: nonsense. On other transcripts: intron variant (1).
Genome position (GRCh38, 1-based): chr8:60,800,403, A>T. VCF-style: chr8-60800403-A-T. GRCh37 (hg19) VCF-style: chr8-61712962-A-T.
Other names: c.1716+19353A>T (NM_001316690.1); short protein forms R752*.
Identifiers: ClinVar variation 4709603 (VCV004709603.1).